The following is an entry in ClinVar:

ClinVar aggregate classification (germline): Pathogenic/Likely pathogenic. Review status: criteria provided, multiple submitters, no conflicts (2 of 4 stars). 2 submissions from 2 submitters: Pathogenic (1); Likely pathogenic (1). Last evaluated 2023-12-07.

Conditions:
Ataxia, early-onset, with oculomotor apraxia and hypoalbuminemia (EAOH). Also called: ATAXIA-OCULOMOTOR APRAXIA SYNDROME; ATAXIA-TELANGIECTASIA-LIKE SYNDROME; Ataxia-oculomotor apraxia type 1. Identifiers: Orphanet 1168, MedGen C1859598, MONDO:0008842, OMIM 208920.

Allele frequency attached by ClinVar (database versions not stated): gnomAD exomes 0.00001; TOPMed 0.00001.

Submissions (2):

Labcorp Genetics (formerly Invitae), Labcorp
Classification: Pathogenic. Last evaluated: 2023-12-07. Review status: criteria provided, single submitter. Criteria: Invitae Variant Classification Sherloc (09022015). Collection method: clinical testing. Allele origin: germline.
Comment: This sequence change creates a premature translational stop signal (p.Gln130*) in the APTX gene. It is expected to result in an absent or disrupted protein product. Loss-of-function variants in APTX are known to be pathogenic (PMID: 15719174, 21465257, 23183622, 26285866). This variant is present in population databases (no rsID available, gnomAD 0.006%). This premature translational stop signal has been observed in individual(s) with autosomal recessive ataxia with oculomotor apraxia type 1 (PMID: 28516743). ClinVar contains an entry for this variant (Variation ID: 1333290). Algorithms developed to predict the effect of sequence changes on RNA splicing suggest that this variant may disrupt the consensus splice site. For these reasons, this variant has been classified as Pathogenic.

3billion
Classification: Likely pathogenic for Ataxia, early-onset, with oculomotor apraxia and hypoalbuminemia. Last evaluated: 2022-01-03. Review status: criteria provided, single submitter. Criteria: ACMG Guidelines, 2015. Collection method: clinical testing. Allele origin: germline. Affected: yes. Observed: 1 homozygote.
Comment: Stop-gained (nonsense): predicted to result in a loss or disruption of normal protein function through nonsense-mediated decay (NMD) or protein truncation. Multiple pathogenic variants are reported downstream of the variant (PVS1_VS). It is observed at an extremely low frequency in the gnomAD v2.1.1 dataset (total allele frequency: 0.000012, PM2_M). Therefore, this variant is classified as likely pathogenic according to the recommendation of ACMG/AMP guideline.

Literature cited by the submitters: PubMed 15719174 (cited by Labcorp Genetics (formerly Invitae), Labcorp); PubMed 21465257 (cited by Labcorp Genetics (formerly Invitae), Labcorp); PubMed 23183622 (cited by Labcorp Genetics (formerly Invitae), Labcorp); PubMed 26285866 (cited by Labcorp Genetics (formerly Invitae), Labcorp); PubMed 28516743 (cited by Labcorp Genetics (formerly Invitae), Labcorp).

NM_001195248.2(APTX):c.388C>T (p.Gln130Ter)

Gene: APTX (aprataxin; minus strand). Cytogenetic location: 9p21.1.
Variant type: single nucleotide variant.
Coding change: c.388C>T on transcript NM_001195248.2 (MANE Select); coding-DNA position 388, C replaced by T.
Protein change: p.Gln130Ter; replaces glutamine 130 with a stop codon.
Molecular consequence: nonsense. On other transcripts: non-coding transcript variant (13), intron variant (1).
Genome position (GRCh38, 1-based): chr9:32,987,639, G>A on the plus strand (C>T on the coding strand, the complement: APTX is on the minus strand). VCF-style: chr9-32987639-G-A. GRCh37 (hg19) VCF-style: chr9-32987637-G-A.
Other names: c.388C>T, p.Gln130Ter (NM_001195249.2, NM_001195251.2, NM_001368995.1 and 6 more transcripts); c.226C>T, p.Gln76Ter (NM_001195250.2, NM_001195254.2, NM_001369000.1 and 1 more transcripts); c.124C>T, p.Gln42Ter (NM_001369002.1, NM_001369003.1, NM_001369004.1 and 5 more transcripts); c.267+121C>T (NM_001195252.2); short protein forms Q130*, Q42*, Q76*.
Identifiers: ClinVar variation 1333290 (VCV001333290.7), dbSNP rs1225927323, ClinGen allele CA373179759.